The following is an entry in ClinVar:

ClinVar aggregate classification (germline): Uncertain significance (1 of 4 stars; one submission).

gnomAD v4.1: 1 of 1,614,158 alleles (0.000062%); highest among the groups gnomAD compares: Non-Finnish European, 0.000085%; no homozygotes.

Submission:

Labcorp Genetics (formerly Invitae), Labcorp
Classification: Uncertain significance. Last evaluated: 2025-08-18. Review status: criteria provided, single submitter. Criteria: Invitae Variant Classification Sherloc (09022015). Collection method: clinical testing. Allele origin: germline.
Comment: This sequence change replaces histidine, which is basic and polar, with aspartic acid, which is acidic and polar, at codon 1779 of the MYH3 protein (p.His1779Asp). This variant is not present in population databases (gnomAD no frequency). This variant has not been reported in the literature in individuals affected with MYH3-related conditions. ClinVar contains an entry for this variant (Variation ID: 3675887). Invitae Evidence Modeling of protein sequence and biophysical properties (such as structural, functional, and spatial information, amino acid conservation, physicochemical variation, residue mobility, and thermodynamic stability) indicates that this missense variant is not expected to disrupt MYH3 protein function with a negative predictive value of 95%. In summary, the available evidence is currently insufficient to determine the role of this variant in disease. Therefore, it has been classified as a Variant of Uncertain Significance.

NM_002470.4(MYH3):c.5335C>G (p.His1779Asp)

Gene: MYH3 (myosin heavy chain 3; minus strand). Cytogenetic location: 17p13.1.
Variant type: single nucleotide variant.
Coding change: c.5335C>G on transcript NM_002470.4 (MANE Select); coding-DNA position 5335, C replaced by G.
Protein change: p.His1779Asp; replaces histidine 1779 with aspartic acid.
Molecular consequence: missense variant.
Genome position (GRCh38, 1-based): chr17:10,630,410, G>C on the plus strand (C>G on the coding strand, the complement: MYH3 is on the minus strand). VCF-style: chr17-10630410-G-C. GRCh37 (hg19) VCF-style: chr17-10533727-G-C.
Other names: short protein forms H1779D.
Identifiers: ClinVar variation 3675887 (VCV003675887.2).
Genomic context (GRCh38, chr17:10,630,410, plus strand): 5'-CTAGACGATGCTGCAGGTCCTTCACCGTCTGTTCCAGGTTCTTCTTCATCCGCTCAAGGT[G>C]GGCGCTGGTGTCCTGCTCCTTCTTCAGCTCCTCCGCCATCATGGCAGCCTGAAAAGCACA-3'
Protein context (NP_002461.2, residues 1769-1789): ELKKEQDTSA[His1779Asp]LERMKKNLEQ